The following is an entry in ClinVar:

ClinVar aggregate classification (germline): Uncertain significance. Review status: criteria provided, multiple submitters, no conflicts (2 of 4 stars). 3 submissions from 3 submitters: Uncertain significance (3). Last evaluated 2025-09-17.

Conditions:
Joubert syndrome 17 (JBTS17). Identifiers: Orphanet 475, MedGen C3553264, MONDO:0013824, OMIM 614615.
Orofaciodigital syndrome type 6 (OFD6). Also called: OROFACIODIGITAL SYNDROME VI; OFDS VI; POLYDACTYLY, CLEFT LIP/PALATE OR LINGUAL LUMP, AND PSYCHOMOTOR RETARDATION; VARADI SYNDROME; VARADI-PAPP SYNDROME; Oral-facial-digital syndrome type 6. Identifiers: Orphanet 2754, MedGen C2745997, MONDO:0010176, OMIM 277170.

Allele frequency attached by ClinVar (database versions not stated): gnomAD 0.00001; TOPMed 0.00002.
gnomAD v4.1: 5 of 1,614,012 alleles (0.00031%); highest among the groups gnomAD compares: Admixed American, 0.0083%; no homozygotes.

Submissions (3):

Labcorp Genetics (formerly Invitae), Labcorp
Classification: Uncertain significance. Last evaluated: 2025-09-17. Review status: criteria provided, single submitter. Criteria: Invitae Variant Classification Sherloc (09022015). Collection method: clinical testing. Allele origin: germline.
Comment: This sequence change replaces aspartic acid, which is acidic and polar, with histidine, which is basic and polar, at codon 1139 of the CPLANE1 protein (p.Asp1139His). This variant is not present in population databases (gnomAD no frequency). This variant has not been reported in the literature in individuals affected with CPLANE1-related conditions. ClinVar contains an entry for this variant (Variation ID: 1441617). Invitae Evidence Modeling of protein sequence and biophysical properties (such as structural, functional, and spatial information, amino acid conservation, physicochemical variation, residue mobility, and thermodynamic stability) indicates that this missense variant is not expected to disrupt CPLANE1 protein function with a negative predictive value of 95%. In summary, the available evidence is currently insufficient to determine the role of this variant in disease. Therefore, it has been classified as a Variant of Uncertain Significance.

Fulgent Genetics
Classification: Uncertain significance for Orofaciodigital syndrome type 6; Joubert syndrome 17. Last evaluated: 2024-04-02. Review status: criteria provided, single submitter. Criteria: ACMG Guidelines, 2015. Collection method: clinical testing. Allele origin: germline.

Blueprint Genetics
Classification: Uncertain significance. Last evaluated: 2022-06-16. Review status: criteria provided, single submitter. Criteria: ACMG Guidelines, 2015. Collection method: clinical testing. Allele origin: germline.

NM_001384732.1(CPLANE1):c.3415G>C (p.Asp1139His)

Gene: CPLANE1 (ciliogenesis and planar polarity effector complex subunit 1; minus strand). Cytogenetic location: 5p13.2.
Variant type: single nucleotide variant.
Coding change: c.3415G>C on transcript NM_001384732.1 (MANE Select); coding-DNA position 3415, G replaced by C.
Protein change: p.Asp1139His; replaces aspartic acid 1139 with histidine.
Molecular consequence: missense variant.
Genome position (GRCh38, 1-based): chr5:37,201,683, C>G on the plus strand (G>C on the coding strand, the complement: CPLANE1 is on the minus strand). VCF-style: chr5-37201683-C-G. GRCh37 (hg19) VCF-style: chr5-37201785-C-G.
Other names: c.3415G>C, p.Asp1139His (NM_023073.4); short protein forms D1139H.
Identifiers: ClinVar variation 1441617 (VCV001441617.7), dbSNP rs1789225309, ClinGen allele CA359513072.
Genomic context (GRCh38, chr5:37,201,683, plus strand): 5'-ATGGAGGAGCTGGAAGATACAAGCCGAATGGCACTAAGCCCCACAGTCTTTTACTGAAGT[C>G]CTTGGCAGAGTCTATCAGAAGTTGAAATGTCTCCGAAAGAATATCTGCATCGGCCATAAC-3'
Protein context (NP_001371661.1, residues 1129-1149): TFQLLIDSAK[Asp1139His]FSKRLWGLVP